The following is an entry in ClinVar:

ClinVar aggregate classification (germline): Likely pathogenic (1 of 4 stars; one submission).

Submission:

GeneDx
Classification: Likely pathogenic. Last evaluated: 2025-06-18. Review status: criteria provided, single submitter. Criteria: GeneDx Variant Classification Process June 2021. Collection method: clinical testing. Allele origin: germline. Affected: yes.
Comment: Not observed at significant frequency in large population cohorts (gnomAD); In-frame duplication of 3 amino acids in a non-repeat region; Observed as apparently de novo variant in individual with autism; however no further clinical information was provided (PMID: 35982160); This variant is associated with the following publications: (PMID: 37500730, 35982159, 35982160)

NM_001346813.1:c.6197_6205dup

Gene: ARID1B (AT-rich interaction domain 1B; plus strand).
Variant type: Duplication.
Other names: c.6197_6205dup (NM_001346813.1).
Identifiers: ClinVar variation 4538579 (VCV004538579.1).